The following is an entry in ClinVar:

NM_021224.6(ZNF462):c.6804C>T (p.Asn2268=)

Gene: ZNF462 (zinc finger protein 462; plus strand). Cytogenetic location: 9q31.2.
Variant type: single nucleotide variant.
Coding change: c.6804C>T on transcript NM_021224.6 (MANE Select); coding-DNA position 6804, C replaced by T.
Protein change: p.Asn2268=; no amino-acid change (asparagine 2268 retained).
Molecular consequence: synonymous variant.
Genome position (GRCh38, 1-based): chr9:106,974,245, C>T. VCF-style: chr9-106974245-C-T. GRCh37 (hg19) VCF-style: chr9-109736526-C-T.
Other names: c.4209C>T, p.Asn1403= (NM_001347997.2).
Identifiers: ClinVar variation 2659400 (VCV002659400.24), dbSNP rs373552101, ClinGen allele CA5172326.

ClinVar aggregate classification (germline): Likely benign (1 of 4 stars; one submission).

Allele frequency attached by ClinVar (database versions not stated): ExAC 0.00007; gnomAD 0.00007; ESP Exome Variant Server 0.00008; TOPMed 0.00012; gnomAD exomes 0.00013.
gnomAD v4.1: 200 of 1,614,082 alleles (0.012%); highest among the groups gnomAD compares: Non-Finnish European, 0.016%; 1 homozygote.

Submission:

CeGaT Center for Human Genetics Tuebingen
Classification: Likely benign. Last evaluated: 2022-07-01. Review status: criteria provided, single submitter. Criteria: CeGaT Center For Human Genetics Tuebingen Variant Classification Criteria Version 2. Collection method: clinical testing. Allele origin: germline. Affected: yes. Observed: 1 variant allele.
Comment: ZNF462: BP4